The following is an entry in ClinVar:

NM_198253.3(TERT):c.3031A>C (p.Arg1011=)

Gene: TERT (telomerase reverse transcriptase; minus strand). Cytogenetic location: 5p15.33.
Variant type: single nucleotide variant.
Coding change: c.3031A>C on transcript NM_198253.3 (MANE Select); coding-DNA position 3031, A replaced by C.
Protein change: p.Arg1011=; no amino-acid change (arginine 1011 retained).
Molecular consequence: synonymous variant. On other transcripts: non-coding transcript variant (2).
Genome position (GRCh38, 1-based): chr5:1,258,599, T>G on the plus strand (A>C on the coding strand, the complement: TERT is on the minus strand). VCF-style: chr5-1258599-T-G. GRCh37 (hg19) VCF-style: chr5-1258714-T-G.
Other names: c.2842A>C, p.Arg948= (NM_001193376.3); c.3031A>C (NM_198253.2).
Identifiers: ClinVar variation 1502525 (VCV001502525.7), dbSNP rs2126573316, ClinGen allele CA443020699.

ClinVar aggregate classification (germline): Conflicting classifications of pathogenicity. Review status: criteria provided, conflicting classifications (1 of 4 stars). 2 submissions from 2 submitters: Uncertain significance (1); Likely benign (1). Last evaluated 2024-10-28.

Conditions:
Idiopathic Pulmonary Fibrosis. Also called: Idiopathic fibrosing alveolitis, chronic form; idiopathic fibrosing alveolitis. Identifiers: Orphanet 2032, MedGen C1800706, MeSH D054990, MONDO:0800504.
Dyskeratosis congenita, autosomal dominant 2. Identifiers: MedGen C3151443, MONDO:0013521, OMIM 613989.
Dyskeratosis congenita. Identifiers: Orphanet 1775, MedGen C0265965, MONDO:0015780.

Submissions (2):

Ambry Genetics
Classification: Likely benign for Dyskeratosis congenita. Last evaluated: 2024-10-28. Review status: criteria provided, single submitter. Criteria: Ambry Variant Classification Scheme 2023. Collection method: clinical testing. Allele origin: germline.

Labcorp Genetics (formerly Invitae), Labcorp
Classification: Uncertain significance for Dyskeratosis congenita, autosomal dominant 2; Idiopathic Pulmonary Fibrosis. Last evaluated: 2022-06-13. Review status: criteria provided, single submitter. Criteria: Invitae Variant Classification Sherloc (09022015). Collection method: clinical testing. Allele origin: germline.
Comment: In summary, the available evidence is currently insufficient to determine the role of this variant in disease. Therefore, it has been classified as a Variant of Uncertain Significance. Algorithms developed to predict the effect of sequence changes on RNA splicing suggest that this variant is not likely to affect RNA splicing. This variant has not been reported in the literature in individuals affected with TERT-related conditions. This variant is not present in population databases (gnomAD no frequency). This sequence change affects codon 1011 of the TERT mRNA. It is a 'silent' change, meaning that it does not change the encoded amino acid sequence of the TERT protein. It affects a nucleotide within the consensus splice site.